The following is an entry in ClinVar:

NM_001348323.3(TRIP12):c.3475A>C (p.Asn1159His)

Gene: TRIP12 (thyroid hormone receptor interactor 12; minus strand). Cytogenetic location: 2q36.3.
Variant type: single nucleotide variant.
Coding change: c.3475A>C on transcript NM_001348323.3 (MANE Select); coding-DNA position 3475, A replaced by C.
Protein change: p.Asn1159His; replaces asparagine 1159 with histidine.
Molecular consequence: missense variant.
Genome position (GRCh38, 1-based): chr2:229,798,882, T>G on the plus strand (A>C on the coding strand, the complement: TRIP12 is on the minus strand). VCF-style: chr2-229798882-T-G. GRCh37 (hg19) VCF-style: chr2-230663598-T-G.
Other names: c.3394A>C, p.Asn1132His (NM_001284214.2, NM_001348315.2); c.3349A>C, p.Asn1117His (NM_001284215.2, NM_001348316.2, NM_001348317.1 and 1 more transcripts); c.2440A>C, p.Asn814His (NM_001284216.2); c.3475A>C, p.Asn1159His (NM_001348319.1, NM_001348320.2, NM_001348322.1 and 4 more transcripts); c.3478A>C, p.Asn1160His (NM_001348321.1, NM_001348328.1, NM_001348329.2 and 1 more transcripts); c.3268A>C, p.Asn1090His (NM_001348331.1); c.3388A>C, p.Asn1130His (NM_001348332.1); c.3397A>C, p.Asn1133His (NM_001348333.1); and 1 more; short protein forms N1084H, N1090H, N1117H, N1130H, N1132H, N1133H, N1159H, N1160H.
Identifiers: ClinVar variation 2651983 (VCV002651983.24), dbSNP rs2043485544, ClinGen allele CA350906925.

ClinVar aggregate classification (germline): Uncertain significance (1 of 4 stars; one submission).

Allele frequency attached by ClinVar (database versions not stated): gnomAD exomes below 0.00001; TOPMed 0.00001.
gnomAD v4.1: 2 of 1,612,652 alleles (0.00012%); highest among the groups gnomAD compares: Non-Finnish European, 0.00017%; no homozygotes.

Submission:

CeGaT Center for Human Genetics Tuebingen
Classification: Uncertain significance. Last evaluated: 2022-11-01. Review status: criteria provided, single submitter. Criteria: CeGaT Center For Human Genetics Tuebingen Variant Classification Criteria Version 2. Collection method: clinical testing. Allele origin: germline. Affected: yes. Observed: 1 variant allele.
Comment: TRIP12: PM2, PP2